The following is an entry in ClinVar:

ClinVar aggregate classification (germline): Pathogenic/Likely pathogenic. Review status: criteria provided, multiple submitters, no conflicts (2 of 4 stars). 2 submissions from 2 submitters: Pathogenic (1); Likely pathogenic (1). Last evaluated 2025-10-09.

Conditions:
Autosomal recessive limb-girdle muscular dystrophy type 2D (LGMDR3). Also called: MUSCULAR DYSTROPHY, LIMB-GIRDLE, AUTOSOMAL RECESSIVE 3; ADHALINOPATHY, PRIMARY; DUCHENNE-LIKE AUTOSOMAL RECESSIVE MUSCULAR DYSTROPHY, TYPE 2. Identifiers: Orphanet 62, MedGen C2936332, MONDO:0011968, OMIM 608099. Disease mechanism: Affects gamma-sarcoglycan and also disrupts the integrity of the entire sarcoglycan complex..

Submissions (2):

Labcorp Genetics (formerly Invitae), Labcorp
Classification: Pathogenic for Autosomal recessive limb-girdle muscular dystrophy type 2D. Last evaluated: 2025-10-09. Review status: criteria provided, single submitter. Criteria: Invitae Variant Classification Sherloc (09022015). Collection method: clinical testing. Allele origin: germline.
Comment: This sequence change creates a premature translational stop signal (p.Asp266Metfs*55) in the SGCA gene. It is expected to result in an absent or disrupted protein product. Loss-of-function variants in SGCA are known to be pathogenic (PMID: 9192266). This variant is not present in population databases (gnomAD no frequency). This variant has not been reported in the literature in individuals affected with SGCA-related conditions. ClinVar contains an entry for this variant (Variation ID: 1163606). Algorithms developed to predict the effect of sequence changes on RNA splicing suggest that this variant may disrupt the consensus splice site. For these reasons, this variant has been classified as Pathogenic.

Mayo Clinic Laboratories, Mayo Clinic
Classification: Likely pathogenic. Last evaluated: 2020-04-13. Review status: criteria provided, single submitter. Criteria: ACMG Guidelines, 2015. Collection method: clinical testing. Allele origin: germline. Observed: 1 variant allele.
Comment: PVS1, PM2

Literature cited by the submitters: PubMed 9192266 (cited by Labcorp Genetics (formerly Invitae), Labcorp).

NM_000023.4(SGCA):c.795del (p.Asp266fs)

Gene: SGCA (sarcoglycan alpha; plus strand). Cytogenetic location: 17q21.33.
Variant type: Deletion.
Coding change: c.795del on transcript NM_000023.4 (MANE Select); coding-DNA position 795, one base deleted (T; older notation c.795delT).
Protein change: p.Asp266fs; shifts the reading frame from aspartic acid 266.
Molecular consequence: frameshift variant. On other transcripts: intron variant (1).
Genome position (GRCh38, 1-based): chr17:50,170,190, T deleted. VCF-style (leftmost placement, unchanged base first): chr17-50170189-GT-G. GRCh37 (hg19) VCF-style: chr17-48247550-GT-G.
Other names: c.585-450del (NM_001135697.3); short protein forms D266fs.
Identifiers: ClinVar variation 1163606 (VCV001163606.6), dbSNP rs1438874821, ClinGen allele CA772786617.